The following is an entry in ClinVar:

ClinVar aggregate classification (germline): Benign (1 of 4 stars; one submission).

Conditions:
Cone-rod dystrophy. Also called: Cone/cone-rod dystrophy; Cone-rod degeneration. Identifiers: Orphanet 1872, MedGen C4085590, MONDO:0015993, HP:0000548.

Allele frequency attached by ClinVar (database versions not stated): gnomAD exomes 0.00038; 1000 Genomes Project 0.00040; gnomAD 0.00040 and 0.00041; TOPMed 0.00041; 1000 Genomes Project 30x 0.00047.
gnomAD v4.1: 398 of 1,040,874 alleles (0.038%); highest among the groups gnomAD compares: Middle Eastern, 0.2%; no homozygotes.

Submission:

Illumina Laboratory Services, Illumina
Classification: Benign for Cone-rod dystrophy. Last evaluated: 2018-01-13. Review status: criteria provided, single submitter. Criteria: ICSL Variant Classification Criteria 13 December 2019. Collection method: clinical testing. Allele origin: germline.
Comment: This variant was observed in the ICSL laboratory as part of a predisposition screen in an ostensibly healthy population. It had not been previously curated by ICSL or reported in the Human Gene Mutation Database (HGMD: prior to June 1st, 2018), and was therefore a candidate for classification through an automated scoring system. Utilizing variant allele frequency, disease prevalence and penetrance estimates, and inheritance mode, an automated score was calculated to assess if this variant is too frequent to cause the disease. Based on the score and internal cut-off values, a variant classified as benign is not then subjected to further curation. The score for this variant resulted in a classification of benign for this disease.

NM_005148.4(UNC119):c.*140A>G

Gene: UNC119 (unc-119 lipid binding chaperone; minus strand). Cytogenetic location: 17q11.2.
Variant type: single nucleotide variant.
Coding change: c.*140A>G on transcript NM_005148.4 (MANE Select); 140 bases downstream of the stop codon, A replaced by G.
Molecular consequence: 3 prime UTR variant.
Genome position (GRCh38, 1-based): chr17:28,547,157, T>C on the plus strand (A>G on the coding strand, the complement: UNC119 is on the minus strand). VCF-style: chr17-28547157-T-C. GRCh37 (hg19) VCF-style: chr17-26874175-T-C.
Other names: c.*140A>G (NM_001330166.2); c.*467A>G (NM_054035.2).
Identifiers: ClinVar variation 322456 (VCV000322456.5), dbSNP rs568283544, ClinGen allele CA10649792.